The following is an entry in ClinVar:

ClinVar aggregate classification (germline): Uncertain significance (1 of 4 stars; one submission).

Conditions:
Spermatogenic failure 18. Identifiers: MedGen C4539783, MONDO:0054615, OMIM 617576.
Ciliary dyskinesia, primary, 37 (CILD37). Also called: CILIARY DYSKINESIA, PRIMARY, 37, WITH OR WITHOUT SITUS INVERSUS. Identifiers: MedGen C4539798, MONDO:0033204, OMIM 617577.

Allele frequency attached by ClinVar (database versions not stated): gnomAD exomes 0.00003; ESP Exome Variant Server 0.00008; TOPMed 0.00008; gnomAD 0.00009; 1000 Genomes Project 0.00020; ExAC 0.00022; 1000 Genomes Project 30x 0.00031.
gnomAD v4.1: 45 of 1,551,794 alleles (0.0029%); highest among the groups gnomAD compares: African/African-American, 0.018%; no homozygotes.

Submission:

Labcorp Genetics (formerly Invitae), Labcorp
Classification: Uncertain significance for Ciliary dyskinesia, primary, 37; Spermatogenic failure 18. Last evaluated: 2023-08-04. Review status: criteria provided, single submitter. Criteria: Invitae Variant Classification Sherloc (09022015). Collection method: clinical testing. Allele origin: germline.
Comment: ClinVar contains an entry for this variant (Variation ID: 651959). This missense change has been observed in individual(s) with clinical features of DNAH1-related conditions (Invitae). This variant is present in population databases (rs377382857, gnomAD 0.03%). This sequence change replaces alanine, which is neutral and non-polar, with threonine, which is neutral and polar, at codon 3209 of the DNAH1 protein (p.Ala3209Thr). Advanced modeling of protein sequence and biophysical properties (such as structural, functional, and spatial information, amino acid conservation, physicochemical variation, residue mobility, and thermodynamic stability) performed at Invitae indicates that this missense variant is expected to disrupt DNAH1 protein function. In summary, the available evidence is currently insufficient to determine the role of this variant in disease. Therefore, it has been classified as a Variant of Uncertain Significance.

NM_015512.5(DNAH1):c.9625G>A (p.Ala3209Thr)

Gene: DNAH1 (dynein axonemal heavy chain 1; plus strand). Cytogenetic location: 3p21.1.
Variant type: single nucleotide variant.
Coding change: c.9625G>A on transcript NM_015512.5 (MANE Select); coding-DNA position 9625, G replaced by A.
Protein change: p.Ala3209Thr; replaces alanine 3209 with threonine.
Molecular consequence: missense variant.
Genome position (GRCh38, 1-based): chr3:52,390,938, G>A. VCF-style: chr3-52390938-G-A. GRCh37 (hg19) VCF-style: chr3-52424954-G-A.
Other names: short protein forms A3209T.
Identifiers: ClinVar variation 651959 (VCV000651959.8), dbSNP rs377382857, ClinGen allele CA2435583.